The following is an entry in ClinVar:

ClinVar aggregate classification (germline): Uncertain significance. Review status: criteria provided, multiple submitters, no conflicts (2 of 4 stars). 3 submissions from 3 submitters: Uncertain significance (3). Last evaluated 2025-10-23.

Conditions:
Hereditary pheochromocytoma and paraganglioma. Also called: Hereditary paragangliomas and pheochromocytomas; Hereditary Paraganglioma-Pheochromocytoma Syndromes; Hereditary pheochromocytoma-paraganglioma. Identifiers: Orphanet 29072, MedGen C4274332, MONDO:0017366.
Hereditary cancer-predisposing syndrome. Also called: Tumor predisposition; Hereditary Cancer Syndrome; Hereditary neoplastic syndrome; Neoplastic Syndromes, Hereditary. Identifiers: Orphanet 140162, MedGen C0027672, MeSH D009386, MONDO:0015356.
Pheochromocytoma. Also called: MAX-Related Hereditary Paraganglioma-Pheochromocytoma Syndrome. Identifiers: Orphanet 29072, MedGen C0031511, MONDO:0008233, OMIM 171300, HP:0002666.

Submissions (3):

Labcorp Genetics (formerly Invitae), Labcorp
Classification: Uncertain significance for Hereditary pheochromocytoma and paraganglioma. Last evaluated: 2025-10-23. Review status: criteria provided, single submitter. Criteria: Invitae Variant Classification Sherloc (09022015). Collection method: clinical testing. Allele origin: germline.
Comment: This sequence change replaces lysine, which is basic and polar, with glutamic acid, which is acidic and polar, at codon 66 of the MAX protein (p.Lys66Glu). This variant is not present in population databases (gnomAD no frequency). This variant has not been reported in the literature in individuals affected with MAX-related conditions. ClinVar contains an entry for this variant (Variation ID: 1783580). An algorithm developed to predict the effect of missense changes on protein structure and function (PolyPhen-2) suggests that this variant is likely to be disruptive. In summary, the available evidence is currently insufficient to determine the role of this variant in disease. Therefore, it has been classified as a Variant of Uncertain Significance.

Baylor Genetics
Classification: Uncertain significance for Pheochromocytoma. Last evaluated: 2023-09-28. Review status: criteria provided, single submitter. Criteria: ACMG Guidelines, 2015. Collection method: clinical testing. Allele origin: unknown.

Ambry Genetics
Classification: Uncertain significance for Hereditary cancer-predisposing syndrome. Last evaluated: 2021-06-18. Review status: criteria provided, single submitter. Criteria: Ambry Variant Classification Scheme 2023. Collection method: clinical testing. Allele origin: germline.
Comment: The p.K66E variant (also known as c.196A>G), located in coding exon 4 of the MAX gene, results from an A to G substitution at nucleotide position 196. The lysine at codon 66 is replaced by glutamic acid, an amino acid with similar properties. This amino acid position is highly conserved in available vertebrate species. In addition, this alteration is predicted to be deleterious by in silico analysis. Since supporting evidence is limited at this time, the clinical significance of this alteration remains unclear.

NM_002382.5(MAX):c.196A>G (p.Lys66Glu)

Gene: MAX (MYC associated transcriptional regulator X; minus strand). Cytogenetic location: 14q23.3.
Variant type: single nucleotide variant.
Coding change: c.196A>G on transcript NM_002382.5 (MANE Select); coding-DNA position 196, A replaced by G.
Protein change: p.Lys66Glu; replaces lysine 66 with glutamic acid.
Molecular consequence: missense variant. On other transcripts: 5 prime UTR variant (1), intron variant (2).
Genome position (GRCh38, 1-based): chr14:65,078,012, T>C on the plus strand (A>G on the coding strand, the complement: MAX is on the minus strand). VCF-style: chr14-65078012-T-C. GRCh37 (hg19) VCF-style: chr14-65544730-T-C.
Other names: c.-79A>G (NM_001320415.2, NM_001407105.1, NM_001407106.1 and 1 more transcripts); c.196A>G, p.Lys66Glu (NM_001407094.1, NM_001407096.1, NM_001407097.1 and 3 more transcripts); c.169A>G, p.Lys57Glu (NM_001407095.1, NM_001407099.1, NM_001407100.1 and 6 more transcripts); c.88A>G, p.Lys30Glu (NM_001407098.1); c.-172A>G (NM_001407111.1, NM_001407112.1); c.144+15696A>G (NM_001271069.2); c.171+15696A>G (NM_197957.4); short protein forms K30E, K57E, K66E.
Identifiers: ClinVar variation 1783580 (VCV001783580.6), dbSNP rs2504199502, ClinGen allele CA390035906.
Genomic context (GRCh38, chr14:65,078,012, plus strand): 5'-CAATATCTTGCTGGTGTGTGTGGTTTTTCCTTCGCATATACTGGATATATTCTGTGGCTT[T>C]GTCTAGGATTTGGGCCCGGGATGCCTGTGGCAATATGAGAAAAAGCACAGGGGACAAAAT-3'
Protein context (NP_002373.3, residues 56-76): EKASRAQILD[Lys66Glu]ATEYIQYMRR